The following is an entry in ClinVar:

ClinVar aggregate classification (germline): Uncertain significance (1 of 4 stars; one submission).

gnomAD v4.1: 6 of 1,613,972 alleles (0.00037%); highest among the groups gnomAD compares: Non-Finnish European, 0.00051%; no homozygotes.

Submission:

Labcorp Genetics (formerly Invitae), Labcorp
Classification: Uncertain significance. Last evaluated: 2025-01-18. Review status: criteria provided, single submitter. Criteria: Invitae Variant Classification Sherloc (09022015). Collection method: clinical testing. Allele origin: germline.
Comment: This sequence change affects codon 911 of the ITGAM mRNA. It is a 'silent' change, meaning that it does not change the encoded amino acid sequence of the ITGAM protein. This variant is present in population databases (no rsID available, gnomAD no frequency). This variant has not been reported in the literature in individuals affected with ITGAM-related conditions. Algorithms developed to predict the effect of sequence changes on RNA splicing suggest that this variant may disrupt the consensus splice site. In summary, the available evidence is currently insufficient to determine the role of this variant in disease. Therefore, it has been classified as a Variant of Uncertain Significance.

NM_000632.4(ITGAM):c.2733C>T (p.Asn911=)

Gene: ITGAM (integrin subunit alpha M; plus strand). Cytogenetic location: 16p11.2.
Variant type: single nucleotide variant.
Coding change: c.2733C>T on transcript NM_000632.4 (MANE Select); coding-DNA position 2733, C replaced by T.
Protein change: p.Asn911=; no amino-acid change (asparagine 911 retained).
Molecular consequence: synonymous variant.
Genome position (GRCh38, 1-based): chr16:31,328,171, C>T. VCF-style: chr16-31328171-C-T. GRCh37 (hg19) VCF-style: chr16-31339492-C-T.
Other names: c.2736C>T, p.Asn912= (NM_001145808.2).
Identifiers: ClinVar variation 3691581 (VCV003691581.2).